The following is an entry in ClinVar:

ClinVar aggregate classification (germline): Uncertain significance (1 of 4 stars; one submission).

Conditions:
Inborn genetic diseases. Identifiers: MedGen C0950123, MeSH D030342.

Submission:

Ambry Genetics
Classification: Uncertain significance for Inborn genetic diseases. Last evaluated: 2020-12-24. Review status: criteria provided, single submitter. Criteria: Ambry Variant Classification Scheme 2023. Collection method: clinical testing. Allele origin: germline.
Comment: The p.S30Y variant (also known as c.89C>A), located in coding exon 1 of the NTRK1 gene, results from a C to A substitution at nucleotide position 89. The serine at codon 30 is replaced by tyrosine, an amino acid with dissimilar properties. This amino acid position is not well conserved in available vertebrate species. In addition, this alteration is predicted to be tolerated by in silico analysis. Since supporting evidence is limited at this time, the clinical significance of this alteration remains unclear.

NM_002529.4(NTRK1):c.89C>A (p.Ser30Tyr)

Gene: NTRK1 (neurotrophic receptor tyrosine kinase 1; plus strand). Cytogenetic location: 1q23.1.
Variant type: single nucleotide variant.
Coding change: c.89C>A on transcript NM_002529.4 (MANE Select); coding-DNA position 89, C replaced by A.
Protein change: p.Ser30Tyr; replaces serine 30 with tyrosine.
Molecular consequence: missense variant. On other transcripts: intron variant (1).
Genome position (GRCh38, 1-based): chr1:156,861,023, C>A. VCF-style: chr1-156861023-C-A. GRCh37 (hg19) VCF-style: chr1-156830815-C-A.
Other names: c.89C>A, p.Ser30Tyr (NM_001007204.1, NM_001012331.2); c.123-3331C>A (NM_001007792.1); short protein forms S30Y.
Identifiers: ClinVar variation 1765397 (VCV001765397.2), dbSNP rs2102879132, ClinGen allele CA342929402.
Genomic context (GRCh38, chr1:156,861,023, plus strand): 5'-TTGGCTGGCACAGCTGGGCTGCGGGGCCGGGCAGCCTGCTGGCTTGGCTGATACTGGCAT[C>A]TGCGGGCGCCGCACCCTGCCCCGATGCCTGCTGCCCCCACGGCTCCTCGGGACTGCGATG-3'
Protein context (NP_002520.2, residues 20-40): GSLLAWLILA[Ser30Tyr]AGAAPCPDAC